The following is an entry in ClinVar:

ClinVar aggregate classification (germline): Uncertain significance. Review status: criteria provided, multiple submitters, no conflicts (2 of 4 stars). 2 submissions from 2 submitters: Uncertain significance (2). Last evaluated 2026-07-27.

Conditions:
MACF1-related disorder. Also called: MACF1-related condition.

Submissions (2):

PreventionGenetics, part of Exact Sciences
Classification: Uncertain significance for MACF1-related condition. Last evaluated: 2026-07-27. Review status: criteria provided, single submitter. Criteria: ACMG Guidelines, 2015. Collection method: clinical testing. Allele origin: germline.
Comment: The MACF1 c.14753C>T variant is predicted to result in the amino acid substitution p.Ala4918Val. To our knowledge, this variant has not been reported in the literature or in a large population database (gnomAD), indicating this variant is rare. At this time, the clinical significance of this variant is uncertain due to the absence of conclusive functional and genetic evidence.

CeGaT Center for Human Genetics Tuebingen
Classification: Uncertain significance. Last evaluated: 2025-06-01. Review status: criteria provided, single submitter. Criteria: CeGaT Center For Human Genetics Tuebingen Variant Classification Criteria Version 2. Collection method: clinical testing. Allele origin: germline. Affected: yes. Observed: 1 variant allele.
Comment: MACF1: PM2

NM_001394062.1(MACF1):c.20930C>T (p.Ala6977Val)

Gene: MACF1 (microtubule actin crosslinking factor 1; plus strand). Cytogenetic location: 1p34.3.
Variant type: single nucleotide variant.
Coding change: c.20930C>T on transcript NM_001394062.1 (MANE Select); coding-DNA position 20930, C replaced by T.
Protein change: p.Ala6977Val; replaces alanine 6977 with valine.
Molecular consequence: missense variant.
Genome position (GRCh38, 1-based): chr1:39,454,952, C>T. VCF-style: chr1-39454952-C-T. GRCh37 (hg19) VCF-style: chr1-39920624-C-T.
Other names: c.9008C>T, p.Ala3003Val (NM_001397473.1); c.14753C>T, p.Ala4918Val (NM_012090.5); short protein forms A3003V, A4918V, A6977V.
Identifiers: ClinVar variation 4085161 (VCV004085161.9).